The following is an entry in ClinVar:

ClinVar aggregate classification (germline): Likely benign. Review status: criteria provided, multiple submitters, no conflicts (2 of 4 stars). 3 submissions from 3 submitters: Likely benign (3). Last evaluated 2025-12-26.

Conditions:
Developmental and epileptic encephalopathy, 9 (DEE9). Also called: Early infantile epileptic encephalopathy 9; PCDH19-Related X-Linked Female-Limited Epilepsy with Mental Retardation; EPILEPSY, FEMALE-RESTRICTED, WITH MENTAL RETARDATION; JUBERG-HELLMAN SYNDROME. Identifiers: Orphanet 101039, Orphanet 2076, MedGen C1848137, MONDO:0010246, OMIM 300088. Disease mechanism: loss of function.

Allele frequency attached by ClinVar (database versions not stated): gnomAD exomes 0.00001 and 0.00002; gnomAD 0.00004; ExAC 0.00001; TOPMed 0.00002.
gnomAD v4.1: 21 of 1,209,466 alleles (0.0017%); highest among the groups gnomAD compares: Non-Finnish European, 0.0023%; no homozygotes.

Submissions (3):

Women's Health and Genetics/Laboratory Corporation of America, LabCorp
Classification: Likely benign. Last evaluated: 2025-12-26. Review status: criteria provided, single submitter. Criteria: LabCorp Variant Classification Summary - May 2015. Collection method: clinical testing. Allele origin: germline.

Labcorp Genetics (formerly Invitae), Labcorp
Classification: Likely benign for Developmental and epileptic encephalopathy, 9. Last evaluated: 2024-12-08. Review status: criteria provided, single submitter. Criteria: Invitae Variant Classification Sherloc (09022015). Collection method: clinical testing. Allele origin: germline.

GeneDx
Classification: Likely benign. Last evaluated: 2016-10-12. Review status: criteria provided, single submitter. Criteria: GeneDx Variant Classification (06012015). Collection method: clinical testing. Allele origin: germline. Affected: yes.
Comment: This variant is considered likely benign or benign based on one or more of the following criteria: it is a conservative change, it occurs at a poorly conserved position in the protein, it is predicted to be benign by multiple in silico algorithms, and/or has population frequency not consistent with disease.

NM_001184880.2(PCDH19):c.2358C>T (p.Ile786=)

Genes: PCDH19 (protocadherin 19; minus strand), LOC125467768 (CDK7 strongly-dependent group 2 enhancer GRCh37_chrX:99657381-99658580; plus strand). Cytogenetic location: Xq22.1.
Variant type: single nucleotide variant.
Coding change: c.2358C>T on transcript NM_001184880.2 (MANE Select); coding-DNA position 2358, C replaced by T.
Protein change: p.Ile786=; no amino-acid change (isoleucine 786 retained).
Molecular consequence: synonymous variant.
Genome position (GRCh38, 1-based): chrX:100,402,782, G>A on the plus strand (C>T on the coding strand, the complement: PCDH19 is on the minus strand). VCF-style: chrX-100402782-G-A. GRCh37 (hg19) VCF-style: chrX-99657780-G-A.
Other names: c.2217C>T, p.Ile739= (NM_001105243.2, NM_020766.3).
Identifiers: ClinVar variation 378325 (VCV000378325.11), dbSNP rs768467022, ClinGen allele CA10468778.